The following is an entry in ClinVar:

ClinVar aggregate classification (germline): Likely pathogenic (1 of 4 stars; one submission).

Submission:

Labcorp Genetics (formerly Invitae), Labcorp
Classification: Likely pathogenic. Last evaluated: 2023-06-27. Review status: criteria provided, single submitter. Criteria: Invitae Variant Classification Sherloc (09022015). Collection method: clinical testing. Allele origin: germline.
Comment: This variant is not present in population databases (gnomAD no frequency). In summary, the currently available evidence indicates that the variant is pathogenic, but additional data are needed to prove that conclusively. Therefore, this variant has been classified as Likely Pathogenic. This variant has not been reported in the literature in individuals affected with NBAS-related conditions. This variant results in the deletion of part of exon 8 (c.620_647+512del) of the NBAS gene. It is expected to disrupt RNA splicing. Variants that disrupt the donor or acceptor splice site typically lead to a loss of protein function (PMID: 16199547), and loss-of-function variants in NBAS are known to be pathogenic (PMID: 26073778, 26541327, 27789416, 28031453).

Literature cited by the submitters: PubMed 16199547; PubMed 26073778; PubMed 26541327; PubMed 27789416; PubMed 28031453.

NM_015909.4(NBAS):c.620_647+512del

Gene: NBAS (NBAS subunit of NRZ tethering complex; minus strand). Cytogenetic location: 2p24.3.
Variant type: Deletion.
Coding change: c.620_647+512del on transcript NM_015909.4 (MANE Select); coding-DNA position 620 through 512 bases into the intron after coding-DNA position 647, 540 bases deleted.
Molecular consequence: splice donor variant.
Genome position (GRCh38, 1-based): chr2:15,535,906-15,536,445, 540 bases deleted. GRCh37 (hg19): chr2:15,676,032-15,676,571.
Identifiers: ClinVar variation 2730379 (VCV002730379.3), dbSNP rs2527935561, ClinGen allele CA2697547829.